The following is an entry in ClinVar:

ClinVar aggregate classification (germline): Uncertain significance. Review status: criteria provided, multiple submitters, no conflicts (2 of 4 stars). 2 submissions from 2 submitters: Uncertain significance (2). Last evaluated 2023-11-27.

Allele frequency attached by ClinVar (database versions not stated): TOPMed below 0.00001; gnomAD 0.00001.
gnomAD v4.1: 1 of 1,613,740 alleles (0.000062%); highest among the groups gnomAD compares: Non-Finnish European, 0.000085%; no homozygotes.

Submissions (2):

Labcorp Genetics (formerly Invitae), Labcorp
Classification: Uncertain significance. Last evaluated: 2023-11-27. Review status: criteria provided, single submitter. Criteria: Invitae Variant Classification Sherloc (09022015). Collection method: clinical testing. Allele origin: germline.
Comment: This sequence change replaces asparagine, which is neutral and polar, with tyrosine, which is neutral and polar, at codon 1584 of the COL11A1 protein (p.Asn1584Tyr). This variant is not present in population databases (gnomAD no frequency). This variant has not been reported in the literature in individuals affected with COL11A1-related conditions. ClinVar contains an entry for this variant (Variation ID: 1366521). Advanced modeling of protein sequence and biophysical properties (such as structural, functional, and spatial information, amino acid conservation, physicochemical variation, residue mobility, and thermodynamic stability) performed at Invitae indicates that this missense variant is not expected to disrupt COL11A1 protein function with a negative predictive value of 95%. In summary, the available evidence is currently insufficient to determine the role of this variant in disease. Therefore, it has been classified as a Variant of Uncertain Significance.

CeGaT Center for Human Genetics Tuebingen
Classification: Uncertain significance. Last evaluated: 2022-07-01. Review status: criteria provided, single submitter. Criteria: CeGaT Center For Human Genetics Tuebingen Variant Classification Criteria Version 2. Collection method: clinical testing. Allele origin: germline. Affected: yes. Observed: 1 variant allele.

NM_001854.4(COL11A1):c.4750A>T (p.Asn1584Tyr)

Gene: COL11A1 (collagen type XI alpha 1 chain; minus strand). Cytogenetic location: 1p21.1.
Variant type: single nucleotide variant.
Coding change: c.4750A>T on transcript NM_001854.4 (MANE Select); coding-DNA position 4750, A replaced by T.
Protein change: p.Asn1584Tyr; replaces asparagine 1584 with tyrosine.
Molecular consequence: missense variant. On other transcripts: non-coding transcript variant (1).
Genome position (GRCh38, 1-based): chr1:102,886,915, T>A on the plus strand (A>T on the coding strand, the complement: COL11A1 is on the minus strand). VCF-style: chr1-102886915-T-A. GRCh37 (hg19) VCF-style: chr1-103352471-T-A.
Other names: c.4633A>T, p.Asn1545Tyr (NM_001190709.2); c.4786A>T, p.Asn1596Tyr (NM_080629.3); c.4402A>T, p.Asn1468Tyr (NM_080630.4); short protein forms N1584Y, N1468Y, N1545Y, N1596Y.
Identifiers: ClinVar variation 1366521 (VCV001366521.31), dbSNP rs1470853407, ClinGen allele CA341211941.